The following is an entry in ClinVar:

ClinVar aggregate classification (germline): Uncertain significance. Review status: criteria provided, multiple submitters, no conflicts (2 of 4 stars). 2 submissions from 2 submitters: Uncertain significance (2). Last evaluated 2025-11-17.

Allele frequency attached by ClinVar (database versions not stated): gnomAD exomes 0.00007 and 0.00013; ESP Exome Variant Server 0.00008; ExAC 0.00013; gnomAD 0.00028 and 0.00029; TOPMed 0.00029; 1000 Genomes Project 30x 0.00031; 1000 Genomes Project 0.00040.
gnomAD v4.1: 152 of 1,614,044 alleles (0.0094%); highest among the groups gnomAD compares: African/African-American, 0.075%; no homozygotes.

Submissions (2):

Labcorp Genetics (formerly Invitae), Labcorp
Classification: Uncertain significance. Last evaluated: 2025-11-17. Review status: criteria provided, single submitter. Criteria: Invitae Variant Classification Sherloc (09022015). Collection method: clinical testing. Allele origin: germline.
Comment: This sequence change replaces valine, which is neutral and non-polar, with isoleucine, which is neutral and non-polar, at codon 2962 of the ANK3 protein (p.Val2962Ile). This variant is present in population databases (rs145256821, gnomAD 0.08%). This variant has not been reported in the literature in individuals affected with ANK3-related conditions. ClinVar contains an entry for this variant (Variation ID: 210179). Invitae Evidence Modeling of protein sequence and biophysical properties (such as structural, functional, and spatial information, amino acid conservation, physicochemical variation, residue mobility, and thermodynamic stability) indicates that this missense variant is not expected to disrupt ANK3 protein function with a negative predictive value of 80%. In summary, the available evidence is currently insufficient to determine the role of this variant in disease. Therefore, it has been classified as a Variant of Uncertain Significance.

Genetic Services Laboratory, University of Chicago
Classification: Uncertain significance. Last evaluated: 2014-11-26. Review status: criteria provided, single submitter. Criteria: ACMG Guidelines, 2015. Collection method: clinical testing. Allele origin: germline.

NM_020987.5(ANK3):c.8884G>A (p.Val2962Ile)

Gene: ANK3 (ankyrin 3; minus strand). Cytogenetic location: 10q21.2.
Variant type: single nucleotide variant.
Coding change: c.8884G>A on transcript NM_020987.5 (MANE Select); coding-DNA position 8884, G replaced by A.
Protein change: p.Val2962Ile; replaces valine 2962 with isoleucine.
Molecular consequence: missense variant. On other transcripts: intron variant (4).
Genome position (GRCh38, 1-based): chr10:60,071,997, C>T on the plus strand (G>A on the coding strand, the complement: ANK3 is on the minus strand). VCF-style: chr10-60071997-C-T. GRCh37 (hg19) VCF-style: chr10-61831755-C-T.
Other names: c.4388-3988G>A (NM_001204403.2); c.4409-3988G>A (NM_001204404.2); c.4406-3988G>A (NM_001320874.2); c.1808-3988G>A (NM_001149.4); short protein forms V2962I.
Identifiers: ClinVar variation 210179 (VCV000210179.11), dbSNP rs145256821, ClinGen allele CA205216.
Genomic context (GRCh38, chr10:60,071,997, plus strand): 5'-GTTCACAAAAACCATCGGGAATATTAGAAGACAGCATTCTCCTCTCATCAGCAACTCTGA[C>T]GGGAATGTGTGACACTGCTGAGCTCTCGCTCCTCCTGGAAGGCTGATCAAGCAATCCGCC-3'
Protein context (NP_066267.2, residues 2952-2972): SESSAVSHIP[Val2962Ile]RVADERRMLS